The following is an entry in ClinVar:

NM_177438.3(DICER1):c.102A>G (p.Gln34=)

Gene: DICER1 (dicer 1, ribonuclease III; minus strand). Cytogenetic location: 14q32.13.
Variant type: single nucleotide variant.
Coding change: c.102A>G on transcript NM_177438.3 (MANE Select); coding-DNA position 102, A replaced by G.
Protein change: p.Gln34=; no amino-acid change (glutamine 34 retained).
Molecular consequence: synonymous variant.
Genome position (GRCh38, 1-based): chr14:95,133,357, T>C on the plus strand (A>G on the coding strand, the complement: DICER1 is on the minus strand). VCF-style: chr14-95133357-T-C. GRCh37 (hg19) VCF-style: chr14-95599694-T-C.
Other names: c.102A>G, p.Gln34= (NM_001195573.1, NM_001271282.3, NM_001291628.2 and 1 more transcripts).
Identifiers: ClinVar variation 570695 (VCV000570695.11), dbSNP rs1566816390, ClinGen allele CA487634181.

ClinVar aggregate classification (germline): Benign/Likely benign. Review status: criteria provided, multiple submitters, no conflicts (2 of 4 stars). 2 submissions from 2 submitters: Benign (1); Likely benign (1). Last evaluated 2026-04-14.

Conditions:
DICER1-related tumor predisposition. Also called: DICER1-related pleuropulmonary blastoma cancer predisposition syndrome; DICER1 syndrome. Identifiers: Orphanet 284343, MedGen C3839822, MONDO:0100216.

Allele frequency attached by ClinVar (database versions not stated): gnomAD exomes below 0.00001.
gnomAD v4.1: 2 of 1,614,156 alleles (0.00012%); highest among the groups gnomAD compares: Non-Finnish European, 0.00017%; no homozygotes.

Submissions (2):

Myriad Genetics, Inc.
Classification: Benign for DICER1-related tumor predisposition. Last evaluated: 2026-04-14. Review status: criteria provided, single submitter. Criteria: Myriad Autosomal Dominant, Autosomal Recessive and X-Linked Classification Criteria (2023). Collection method: clinical testing. Allele origin: unknown.
Comment: This variant is considered benign. This variant is a silent/synonymous amino acid change and it is not expected to impact splicing.

Labcorp Genetics (formerly Invitae), Labcorp
Classification: Likely benign for DICER1-related tumor predisposition. Last evaluated: 2026-01-07. Review status: criteria provided, single submitter. Criteria: Invitae Variant Classification Sherloc (09022015). Collection method: clinical testing. Allele origin: germline.